The following is an entry in ClinVar:

ClinVar aggregate classification (germline): Uncertain significance. Review status: criteria provided, multiple submitters, no conflicts (2 of 4 stars). 3 submissions from 3 submitters: Uncertain significance (3). Last evaluated 2024-11-19.

gnomAD v4.1: 64 of 1,590,438 alleles (0.004%); highest among the groups gnomAD compares: Non-Finnish European, 0.0053%; no homozygotes.

Submissions (3):

Clinical Genomics Laboratory, Washington University in St. Louis
Classification: Uncertain significance. Last evaluated: 2024-11-19. Review status: criteria provided, single submitter. Criteria: ACMG Guidelines, 2015. Collection method: clinical testing. Allele origin: germline.
Comment: A PLEKHM2 c.1061G>C (p.Arg354Pro) variant was identified in a heterozygous state. To our knowledge, this variant has not been reported in the medical literature. It has been reported in the ClinVar database as uncertain significance by two submitters (ClinVar variation ID: 1379014) . Computational predictors suggest that the variant does not impact PLEKHM2 function. Due to limited information, the clinical significance of this PLEKHM2 c.1061G>C (p.Arg354Pro) variant is uncertain at this time.

Ambry Genetics
Classification: Uncertain significance. Last evaluated: 2024-05-10. Review status: criteria provided, single submitter. Criteria: Ambry Variant Classification Scheme 2023. Collection method: clinical testing. Allele origin: germline.

Labcorp Genetics (formerly Invitae), Labcorp
Classification: Uncertain significance. Last evaluated: 2024-02-08. Review status: criteria provided, single submitter. Criteria: Invitae Variant Classification Sherloc (09022015). Collection method: clinical testing. Allele origin: germline.
Comment: This sequence change replaces arginine, which is basic and polar, with proline, which is neutral and non-polar, at codon 354 of the PLEKHM2 protein (p.Arg354Pro). This variant is present in population databases (rs751121316, gnomAD 0.005%). This variant has not been reported in the literature in individuals affected with PLEKHM2-related conditions. ClinVar contains an entry for this variant (Variation ID: 1379014). An algorithm developed to predict the effect of missense changes on protein structure and function (PolyPhen-2) suggests that this variant is likely to be tolerated. In summary, the available evidence is currently insufficient to determine the role of this variant in disease. Therefore, it has been classified as a Variant of Uncertain Significance.

NM_015164.4(PLEKHM2):c.1061G>C (p.Arg354Pro)

Gene: PLEKHM2 (pleckstrin homology and RUN domain containing M2; plus strand). Cytogenetic location: 1p36.21.
Variant type: single nucleotide variant.
Coding change: c.1061G>C on transcript NM_015164.4 (MANE Select); coding-DNA position 1061, G replaced by C.
Protein change: p.Arg354Pro; replaces arginine 354 with proline.
Molecular consequence: missense variant.
Genome position (GRCh38, 1-based): chr1:15,727,133, G>C. VCF-style: chr1-15727133-G-C. GRCh37 (hg19) VCF-style: chr1-16053628-G-C.
Other names: c.1061G>C (NM_015164.2); short protein forms R354P.
Identifiers: ClinVar variation 1379014 (VCV001379014.10), dbSNP rs751121316, ClinGen allele CA616836.